The following is an entry in ClinVar:

ClinVar aggregate classification (germline): Uncertain significance (1 of 4 stars; one submission).

gnomAD v4.1: 1 of 1,612,302 alleles (0.000062%); highest among the groups gnomAD compares: Non-Finnish European, 0.000085%; no homozygotes.

Submission:

Women's Health and Genetics/Laboratory Corporation of America, LabCorp
Classification: Uncertain significance. Last evaluated: 2024-06-21. Review status: criteria provided, single submitter. Criteria: LabCorp Variant Classification Summary - May 2015. Collection method: clinical testing. Allele origin: germline.
Comment: Variant summary: RDH12 c.685C>T (p.His229Tyr) results in a conservative amino acid change in the encoded protein sequence. Four of five in-silico tools predict a damaging effect of the variant on protein function. The variant was absent in 249212 control chromosomes. c.685C>T has been reported in the literature in the homozygous state in at least one individual affected with Leber Congenital Amaurosis (e.g. Xu_2020). These data indicate that the variant may be associated with disease. To our knowledge, no experimental evidence demonstrating an impact on protein function has been reported. The following publication have been ascertained in the context of this evaluation (PMID: 31630094). No submitters have cited clinical-significance assessments for this variant to ClinVar. Based on the evidence outlined above, the variant was classified as VUS-possibly pathogenic.

Literature cited by the submitters: PubMed 31630094.

NM_152443.3(RDH12):c.685C>T (p.His229Tyr)

Genes: GPHN (gephyrin; plus strand), RDH12 (retinol dehydrogenase 12; plus strand), ZFYVE26 (zinc finger FYVE-type containing 26; minus strand). Cytogenetic location: 14q24.1.
Variant type: single nucleotide variant.
Coding change: c.685C>T on transcript NM_152443.3 (MANE Select); coding-DNA position 685, C replaced by T.
Protein change: p.His229Tyr; replaces histidine 229 with tyrosine.
Molecular consequence: missense variant.
Genome position (GRCh38, 1-based): chr14:67,729,217, C>T. VCF-style: chr14-67729217-C-T. GRCh37 (hg19) VCF-style: chr14-68195934-C-T.
Other names: short protein forms H229Y.
Identifiers: ClinVar variation 3339867 (VCV003339867.1).
Genomic context (GRCh38, chr14:67,729,217, plus strand): 5'-TGTCCCTGATCTAATTGTGCCCTCTTTGTCCCAGGCACCGGGGTCACCACCTACGCAGTG[C>T]ACCCAGGCGTCGTCCGCTCTGAGCTGGTCCGGCACTCCTCCCTGCTCTGCCTGCTCTGGC-3'
Protein context (NP_689656.2, residues 219-239): QGTGVTTYAV[His229Tyr]PGVVRSELVR